The following is an entry in ClinVar:

ClinVar aggregate classification (germline): Uncertain significance (1 of 4 stars; one submission).

Allele frequency attached by ClinVar (database versions not stated): TOPMed below 0.00001; gnomAD exomes 0.00001.
gnomAD v4.1: 3 of 1,614,200 alleles (0.00019%); highest among the groups gnomAD compares: Non-Finnish European, 0.00025%; no homozygotes.

Submission:

Women's Health and Genetics/Laboratory Corporation of America, LabCorp
Classification: Uncertain significance. Last evaluated: 2025-07-03. Review status: criteria provided, single submitter. Criteria: LabCorp Variant Classification Summary - May 2015. Collection method: clinical testing. Allele origin: germline.
Comment: Variant summary: TGM1 c.1201T>G (p.Phe401Val) results in a non-conservative amino acid change located in the transglutaminase-like domain (IPR002931) of the encoded protein sequence. Algorithms developed to predict the effect of missense changes on protein structure and function all suggest that this variant is likely to be disruptive. The variant allele was found at a frequency of 4e-06 in 251354 control chromosomes. The available data on variant occurrences in the general population are insufficient to allow any conclusion about variant significance. c.1201T>G has been observed in the compound heterozygous state in an individual affected with Lamellar Ichthyosis (example: Tok_1999). These report(s) do not provide unequivocal conclusions about association of the variant with Lamellar Ichthyosis. To our knowledge, no experimental evidence demonstrating an impact on protein function has been reported. The following publication has been ascertained in the context of this evaluation (PMID: 10232404). ClinVar contains an entry for this variant (Variation ID: 2637687). Based on the evidence outlined above, the variant was classified as uncertain significance.

Literature cited by the submitters: PubMed 10232404.

NM_000359.3(TGM1):c.1201T>G (p.Phe401Val)

Gene: TGM1 (transglutaminase 1; minus strand). Cytogenetic location: 14q12.
Variant type: single nucleotide variant.
Coding change: c.1201T>G on transcript NM_000359.3 (MANE Select); coding-DNA position 1201, T replaced by G.
Protein change: p.Phe401Val; replaces phenylalanine 401 with valine.
Molecular consequence: missense variant.
Genome position (GRCh38, 1-based): chr14:24,258,632, A>C on the plus strand (T>G on the coding strand, the complement: TGM1 is on the minus strand). VCF-style: chr14-24258632-A-C. GRCh37 (hg19) VCF-style: chr14-24727838-A-C.
Other names: short protein forms F401V.
Identifiers: ClinVar variation 2637687 (VCV002637687.3), dbSNP rs991194429, ClinGen allele CA257898055.